The following is an entry in ClinVar:

ClinVar aggregate classification (germline): Uncertain significance (1 of 4 stars; one submission).

Conditions:
Ehlers-Danlos syndrome due to tenascin-X deficiency (EDSCLL1). Also called: TNXB-Related Classical-Like Ehlers-Danlos Syndrome; TNX DEFICIENCY; EHLERS-DANLOS SYNDROME, CLASSIC-LIKE; Ehlers-Danlos syndrome, classic-like, 1; EDS DUE TO TNX DEFICIENCY. Identifiers: Orphanet 230839, MedGen C1848029, MONDO:0011670, OMIM 606408.
Vesicoureteral reflux 8 (VUR8). Identifiers: Orphanet 289365, MedGen C4014831, MONDO:0014422, OMIM 615963.
Cardiovascular phenotype. Identifiers: MedGen CN230736.

Allele frequency attached by ClinVar (database versions not stated): gnomAD exomes below 0.00001; TOPMed below 0.00001; ExAC 0.00001; gnomAD 0.00001.
gnomAD v4.1: 6 of 1,612,608 alleles (0.00037%); highest among the groups gnomAD compares: Non-Finnish European, 0.00042%; no homozygotes.

Submission:

Ambry Genetics
Classification: Uncertain significance for Cardiovascular phenotype. Last evaluated: 2024-11-30. Review status: criteria provided, single submitter. Criteria: Ambry Variant Classification Scheme 2023. Collection method: clinical testing. Allele origin: germline.
Comment: The p.P1882L variant (also known as c.5645C>T), located in coding exon 15 of the TNXB gene, results from a C to T substitution at nucleotide position 5645. The proline at codon 1882 is replaced by leucine, an amino acid with similar properties. This amino acid position is conserved. In addition, this alteration is predicted to be tolerated by in silico analysis. Based on the available evidence, the clinical significance of this variant remains unclear.

NM_001365276.2(TNXB):c.5645C>T (p.Pro1882Leu)

Gene: TNXB (tenascin XB; minus strand). Cytogenetic location: 6p21.33.
Variant type: single nucleotide variant.
Coding change: c.5645C>T on transcript NM_001365276.2 (MANE Select); coding-DNA position 5645, C replaced by T.
Protein change: p.Pro1882Leu; replaces proline 1882 with leucine.
Molecular consequence: missense variant.
Genome position (GRCh38, 1-based): chr6:32,069,079, G>A on the plus strand (C>T on the coding strand, the complement: TNXB is on the minus strand). VCF-style: chr6-32069079-G-A. GRCh37 (hg19) VCF-style: chr6-32036856-G-A.
Other names: c.5645C>T (NM_019105.6); c.5645C>T, p.Pro1882Leu (NM_019105.8); short protein forms P1882L.
Identifiers: ClinVar variation 2412798 (VCV002412798.4), dbSNP rs760212945, ClinGen allele CA3734639.